The following is an entry in ClinVar:

NM_000587.4(C7):c.2048T>C (p.Met683Thr)

Gene: C7 (complement C7; plus strand). Cytogenetic location: 5p13.1.
Variant type: single nucleotide variant.
Coding change: c.2048T>C on transcript NM_000587.4 (MANE Select); coding-DNA position 2048, T replaced by C.
Protein change: p.Met683Thr; replaces methionine 683 with threonine.
Molecular consequence: missense variant.
Genome position (GRCh38, 1-based): chr5:40,972,568, T>C. VCF-style: chr5-40972568-T-C. GRCh37 (hg19) VCF-style: chr5-40972670-T-C.
Other names: short protein forms M683T.
Identifiers: ClinVar variation 1402610 (VCV001402610.8), dbSNP rs1402491201, ClinGen allele CA359593666.

ClinVar aggregate classification (germline): Uncertain significance (1 of 4 stars; one submission).

Allele frequency attached by ClinVar (database versions not stated): gnomAD exomes below 0.00001; gnomAD 0.00001.
gnomAD v4.1: 2 of 1,609,254 alleles (0.00012%); highest among the groups gnomAD compares: Non-Finnish European, 0.00017%; no homozygotes.

Submission:

Labcorp Genetics (formerly Invitae), Labcorp
Classification: Uncertain significance. Last evaluated: 2024-10-24. Review status: criteria provided, single submitter. Criteria: Invitae Variant Classification Sherloc (09022015). Collection method: clinical testing. Allele origin: germline.
Comment: This sequence change replaces methionine, which is neutral and non-polar, with threonine, which is neutral and polar, at codon 683 of the C7 protein (p.Met683Thr). This variant is present in population databases (no rsID available, gnomAD 0.007%). This variant has not been reported in the literature in individuals affected with C7-related conditions. ClinVar contains an entry for this variant (Variation ID: 1402610). Invitae Evidence Modeling of protein sequence and biophysical properties (such as structural, functional, and spatial information, amino acid conservation, physicochemical variation, residue mobility, and thermodynamic stability) indicates that this missense variant is not expected to disrupt C7 protein function with a negative predictive value of 80%. In summary, the available evidence is currently insufficient to determine the role of this variant in disease. Therefore, it has been classified as a Variant of Uncertain Significance.